The following is an entry in ClinVar:

NM_020937.4(FANCM):c.6107C>T (p.Pro2036Leu)

Gene: FANCM (FA complementation group M; plus strand). Cytogenetic location: 14q21.2.
Variant type: single nucleotide variant.
Coding change: c.6107C>T on transcript NM_020937.4 (MANE Select); coding-DNA position 6107, C replaced by T.
Protein change: p.Pro2036Leu; replaces proline 2036 with leucine.
Molecular consequence: missense variant.
Genome position (GRCh38, 1-based): chr14:45,199,968, C>T. VCF-style: chr14-45199968-C-T. GRCh37 (hg19) VCF-style: chr14-45669171-C-T.
Other names: c.6029C>T, p.Pro2010Leu (NM_001308133.2); short protein forms P2010L, P2036L.
Identifiers: ClinVar variation 3512993 (VCV003512993.1).

ClinVar aggregate classification (germline): Uncertain significance (1 of 4 stars; one submission).

Conditions:
Inborn genetic diseases. Identifiers: MedGen C0950123, MeSH D030342.

Submission:

Ambry Genetics
Classification: Uncertain significance for Inborn genetic diseases. Last evaluated: 2024-12-08. Review status: criteria provided, single submitter. Criteria: Ambry Variant Classification Scheme 2023. Collection method: clinical testing. Allele origin: germline.
Comment: The p.P2036L variant (also known as c.6107C>T), located in coding exon 23 of the FANCM gene, results from a C to T substitution at nucleotide position 6107. The proline at codon 2036 is replaced by leucine, an amino acid with similar properties. This amino acid position is conserved. In addition, the in silico prediction for this alteration is inconclusive. Based on the available evidence, the clinical significance of this variant remains unclear.